The following is an entry in ClinVar:

NM_015311.3(OBSL1):c.935A>C (p.Lys312Thr)

Gene: OBSL1 (obscurin like cytoskeletal adaptor 1; minus strand). Cytogenetic location: 2q35.
Variant type: single nucleotide variant.
Coding change: c.935A>C on transcript NM_015311.3 (MANE Select); coding-DNA position 935, A replaced by C.
Protein change: p.Lys312Thr; replaces lysine 312 with threonine.
Molecular consequence: missense variant.
Genome position (GRCh38, 1-based): chr2:219,570,298, T>G on the plus strand (A>C on the coding strand, the complement: OBSL1 is on the minus strand). VCF-style: chr2-219570298-T-G. GRCh37 (hg19) VCF-style: chr2-220435020-T-G.
Other names: c.935A>C, p.Lys312Thr (NM_001173408.2, NM_001173431.2); short protein forms K312T.
Identifiers: ClinVar variation 1359071 (VCV001359071.5), dbSNP rs1697244489, ClinGen allele CA350763172.

ClinVar aggregate classification (germline): Uncertain significance (1 of 4 stars; one submission).

Allele frequency attached by ClinVar (database versions not stated): gnomAD 0.00001.
gnomAD v4.1: 3 of 1,610,126 alleles (0.00019%); highest among the groups gnomAD compares: Admixed American, 0.005%; no homozygotes.

Submission:

Labcorp Genetics (formerly Invitae), Labcorp
Classification: Uncertain significance. Last evaluated: 2023-12-22. Review status: criteria provided, single submitter. Criteria: Invitae Variant Classification Sherloc (09022015). Collection method: clinical testing. Allele origin: germline.
Comment: This sequence change replaces lysine, which is basic and polar, with threonine, which is neutral and polar, at codon 312 of the OBSL1 protein (p.Lys312Thr). This variant is not present in population databases (gnomAD no frequency). This variant has not been reported in the literature in individuals affected with OBSL1-related conditions. ClinVar contains an entry for this variant (Variation ID: 1359071). An algorithm developed to predict the effect of missense changes on protein structure and function (PolyPhen-2) suggests that this variant is likely to be disruptive. In summary, the available evidence is currently insufficient to determine the role of this variant in disease. Therefore, it has been classified as a Variant of Uncertain Significance.